The following is an entry in ClinVar:

NM_000452.3(SLC10A2):c.898T>C (p.Phe300Leu)

Gene: SLC10A2 (solute carrier family 10 member 2; minus strand). Cytogenetic location: 13q33.1.
Variant type: single nucleotide variant.
Coding change: c.898T>C on transcript NM_000452.3 (MANE Select); coding-DNA position 898, T replaced by C.
Protein change: p.Phe300Leu; replaces phenylalanine 300 with leucine.
Molecular consequence: missense variant.
Genome position (GRCh38, 1-based): chr13:103,049,310, A>G on the plus strand (T>C on the coding strand, the complement: SLC10A2 is on the minus strand). VCF-style: chr13-103049310-A-G. GRCh37 (hg19) VCF-style: chr13-103701660-A-G.
Other names: short protein forms F300L.
Identifiers: ClinVar variation 2427829 (VCV002427829.6), dbSNP rs756788859, ClinGen allele CA7042001.

ClinVar aggregate classification (germline): Uncertain significance (1 of 4 stars; one submission).

Allele frequency attached by ClinVar (database versions not stated): ExAC 0.00001; gnomAD 0.00001; gnomAD exomes 0.00001; TOPMed 0.00002.
gnomAD v4.1: 12 of 1,613,794 alleles (0.00074%); highest among the groups gnomAD compares: African/African-American, 0.008%; no homozygotes.

Submission:

Labcorp Genetics (formerly Invitae), Labcorp
Classification: Uncertain significance. Last evaluated: 2022-09-25. Review status: criteria provided, single submitter. Criteria: Invitae Variant Classification Sherloc (09022015). Collection method: clinical testing. Allele origin: germline.
Comment: In summary, the available evidence is currently insufficient to determine the role of this variant in disease. Therefore, it has been classified as a Variant of Uncertain Significance. Advanced modeling of protein sequence and biophysical properties (such as structural, functional, and spatial information, amino acid conservation, physicochemical variation, residue mobility, and thermodynamic stability) performed at Invitae indicates that this missense variant is not expected to disrupt SLC10A2 protein function. This variant has not been reported in the literature in individuals affected with SLC10A2-related conditions. This variant is present in population databases (rs756788859, gnomAD 0.008%). This sequence change replaces phenylalanine, which is neutral and non-polar, with leucine, which is neutral and non-polar, at codon 300 of the SLC10A2 protein (p.Phe300Leu).